The following is an entry in ClinVar:

NM_001005373.4(LRSAM1):c.1567C>G (p.Gln523Glu)

Gene: LRSAM1 (leucine rich repeat and sterile alpha motif containing 1; plus strand). Cytogenetic location: 9q33.3.
Variant type: single nucleotide variant.
Coding change: c.1567C>G on transcript NM_001005373.4 (MANE Select); coding-DNA position 1567, C replaced by G.
Protein change: p.Gln523Glu; replaces glutamine 523 with glutamic acid.
Molecular consequence: missense variant. On other transcripts: non-coding transcript variant (2).
Genome position (GRCh38, 1-based): chr9:127,492,865, C>G. VCF-style: chr9-127492865-C-G. GRCh37 (hg19) VCF-style: chr9-130255144-C-G.
Other names: c.1567C>G (NM_138361.4); c.1567C>G, p.Gln523Glu (NM_001005374.4, NM_001384142.1, NM_001384143.1 and 1 more transcripts); c.1486C>G, p.Gln496Glu (NM_001190723.3); c.778C>G, p.Gln260Glu (NM_001384144.1); short protein forms Q260E, Q496E, Q523E.
Identifiers: ClinVar variation 1062207 (VCV001062207.10), dbSNP rs1468375975, ClinGen allele CA374934424.

ClinVar aggregate classification (germline): Uncertain significance. Review status: criteria provided, multiple submitters, no conflicts (2 of 4 stars). 2 submissions from 2 submitters: Uncertain significance (2). Last evaluated 2021-12-20.

Conditions:
Charcot-Marie-Tooth disease axonal type 2P. Also called: CHARCOT-MARIE-TOOTH DISEASE, AXONAL, TYPE 2G; CMT 2G; CHARCOT-MARIE-TOOTH NEUROPATHY, TYPE 2P; Charcot-Marie-Tooth Neuropathy Type 2G. Identifiers: Orphanet 300319, Orphanet 99941, MedGen C3280797, MONDO:0013753, OMIM 614436.
Inborn genetic diseases. Identifiers: MedGen C0950123, MeSH D030342.

Allele frequency attached by ClinVar (database versions not stated): gnomAD exomes below 0.00001; gnomAD 0.00001; TOPMed 0.00001.
gnomAD v4.1: 3 of 1,613,972 alleles (0.00019%); highest among the groups gnomAD compares: African/African-American, 0.0013%; no homozygotes.

Submissions (2):

Ambry Genetics
Classification: Uncertain significance for Inborn genetic diseases. Last evaluated: 2021-12-20. Review status: criteria provided, single submitter. Criteria: Ambry Variant Classification Scheme 2023. Collection method: clinical testing. Allele origin: germline.

Labcorp Genetics (formerly Invitae), Labcorp
Classification: Uncertain significance for Charcot-Marie-Tooth disease axonal type 2P. Last evaluated: 2020-09-10. Review status: criteria provided, single submitter. Criteria: Invitae Variant Classification Sherloc (09022015). Collection method: clinical testing. Allele origin: germline.
Comment: This sequence change replaces glutamine with glutamic acid at codon 523 of the LRSAM1 protein (p.Gln523Glu). The glutamine residue is weakly conserved and there is a small physicochemical difference between glutamine and glutamic acid. This variant is not present in population databases (ExAC no frequency). This variant has not been reported in the literature in individuals with LRSAM1-related conditions. Algorithms developed to predict the effect of missense changes on protein structure and function (SIFT, PolyPhen-2, Align-GVGD) all suggest that this variant is likely to be tolerated, but these predictions have not been confirmed by published functional studies and their clinical significance is uncertain. In summary, the available evidence is currently insufficient to determine the role of this variant in disease. Therefore, it has been classified as a Variant of Uncertain Significance.